The following is an entry in ClinVar:

ClinVar aggregate classification (germline): Pathogenic (1 of 4 stars; one submission).

Conditions:
Hereditary nonpolyposis colorectal neoplasms. Identifiers: MedGen C0009405, MeSH D003123.

Submission:

Labcorp Genetics (formerly Invitae), Labcorp
Classification: Pathogenic for Hereditary nonpolyposis colorectal neoplasms. Last evaluated: 2025-12-28. Review status: criteria provided, single submitter. Criteria: Invitae Variant Classification Sherloc (09022015). Collection method: clinical testing. Allele origin: germline.
Comment: This sequence change creates a premature translational stop signal (p.Leu193Phefs*5) in the MSH6 gene. It is expected to result in an absent or disrupted protein product. Loss-of-function variants in MSH6 are known to be pathogenic (PMID: 18269114, 24362816). This variant is not present in population databases (gnomAD no frequency). This variant has not been reported in the literature in individuals affected with MSH6-related conditions. For these reasons, this variant has been classified as Pathogenic.

Literature cited by the submitters: PubMed 18269114; PubMed 24362816.

NM_000179.3(MSH6):c.578dup (p.Leu193fs)

Gene: MSH6 (mutS homolog 6; plus strand). Cytogenetic location: 2p16.3.
Variant type: Duplication.
Coding change: c.578dup on transcript NM_000179.3 (MANE Select); coding-DNA position 578, one base duplicated (T; older notation c.578dupT).
Protein change: p.Leu193fs; shifts the reading frame from leucine 193.
Molecular consequence: frameshift variant. On other transcripts: 5 prime UTR variant (2), non-coding transcript variant (5), intron variant (8).
Genome position (GRCh38, 1-based): chr2:47,796,014, T duplicated; the last of 2 consecutive T bases (chr2:47,796,013-47,796,014); duplicating either gives the same sequence. VCF-style (leftmost placement, unchanged base first): chr2-47796012-A-AT. GRCh37 (hg19) VCF-style: chr2-48023151-A-AT.
Other names: c.-325dup (NM_001281494.2); c.674dup, p.Leu225fs (NM_001406795.1, NM_001406802.1); c.578dup, p.Leu193fs (NM_001406796.1, NM_001406798.1, NM_001406800.1 and 5 more transcripts); c.281dup, p.Leu94fs (NM_001406797.1, NM_001406801.1, NM_001406805.1 and 10 more transcripts); c.53dup, p.Leu18fs (NM_001406799.1, NM_001406806.1, NM_001406807.1); c.500dup, p.Leu167fs (NM_001406804.1); c.584dup, p.Leu195fs (NM_001406813.1); c.-417dup (NM_001406814.1); and 3 more; short protein forms L195fs, L18fs, L193fs, L137fs, L225fs, L167fs, L94fs.
Identifiers: ClinVar variation 4734256 (VCV004734256.1).